The following is an entry in ClinVar:

NM_152743.4(BRAT1):c.1857G>A (p.Trp619Ter)

Gene: BRAT1 (BRCA1 associated ATM activator 1; minus strand). Cytogenetic location: 7p22.3.
Variant type: single nucleotide variant.
Coding change: c.1857G>A on transcript NM_152743.4 (MANE Select); coding-DNA position 1857, G replaced by A.
Protein change: p.Trp619Ter; replaces tryptophan 619 with a stop codon.
Molecular consequence: nonsense. On other transcripts: non-coding transcript variant (1).
Genome position (GRCh38, 1-based): chr7:2,538,678, C>T on the plus strand (G>A on the coding strand, the complement: BRAT1 is on the minus strand). VCF-style: chr7-2538678-C-T. GRCh37 (hg19) VCF-style: chr7-2578312-C-T.
Other names: c.2037G>A, p.Trp679Ter (NM_001350626.2); c.1332G>A, p.Trp444Ter (NM_001350627.2); short protein forms W619*, W679*, W444*.
Identifiers: ClinVar variation 202197 (VCV000202197.11), dbSNP rs794729222, ClinGen allele CA203858.

ClinVar aggregate classification (germline): Pathogenic/Likely pathogenic. Review status: criteria provided, multiple submitters, no conflicts (2 of 4 stars). 4 submissions from 4 submitters: Pathogenic (1); Likely pathogenic (2). 1 of the submissions does not count toward it. Last evaluated 2026-08-06.

Conditions:
Neurodevelopmental disorder with cerebellar atrophy and with or without seizures. Identifiers: MedGen C4748032, MONDO:0020841, OMIM 618056.
Neonatal-onset encephalopathy with rigidity and seizures. Also called: Lethal neonatal spasticity-epileptic encephalopathy syndrome. Identifiers: Orphanet 435845, MedGen C3281029, MONDO:0013784, OMIM 614498.

Allele frequency attached by ClinVar (database versions not stated): gnomAD exomes below 0.00001; TOPMed below 0.00001.
gnomAD v4.1: 1 of 1,598,414 alleles (0.000063%); highest among the groups gnomAD compares: Non-Finnish European, 0.000085%; no homozygotes.

Submissions (4):

OLLIN Analises Genomicas, OLLIN
Classification: Likely pathogenic for Neurodevelopmental disorder with cerebellar atrophy and with or without seizures. Last evaluated: 2026-08-06. Review status: criteria provided, single submitter. Criteria: ACMG Guidelines 2015 PMID 25741868. Collection method: clinical testing. Allele origin: germline. Inheritance: Autosomal recessive inheritance.
Comment: This nonsense variant, located in exon 14 (of 14), has been reported in ClinVar (accession VCV000202197.10), in gnomAD with an allele frequency of 0.000063%, and in the scientific literature, in compound heterozygosity, in individuals with BRAT1 related disorders (PMID: 27480663). This variant introduces a premature stop codon, which is predicted to result in either a truncated protein or degradation of the mRNA via nonsense-mediated decay (NMD). According to the currently available evidence, this variant has been classified as likely pathogenic (PVS1_S, PM2_P, PM3_P).

GeneDx
Classification: Likely pathogenic. Last evaluated: 2022-08-16. Review status: criteria provided, single submitter. Criteria: GeneDx Variant Classification Process June 2021. Collection method: clinical testing. Allele origin: germline. Affected: yes.
Comment: Nonsense variant in the C-terminus predicted to result in protein truncation, as the last 203 amino acids are lost, and other loss-of-function variants have been reported downstream in HGMD; Not observed in large population cohorts (gnomAD); This variant is associated with the following publications: (PMID: 27480663, 31589614, 33040300, 35360849, 35620305, 30346566)

Labcorp Genetics (formerly Invitae), Labcorp
Classification: Pathogenic for Neonatal-onset encephalopathy with rigidity and seizures. Last evaluated: 2022-07-12. Review status: criteria provided, single submitter. Criteria: Invitae Variant Classification Sherloc (09022015). Collection method: clinical testing. Allele origin: germline.
Comment: This variant is not present in population databases (gnomAD no frequency). For these reasons, this variant has been classified as Pathogenic. This variant disrupts a region of the BRAT1 protein in which other variant(s) (p.Phe709Thrfs*17) have been determined to be pathogenic (PMID: 27480663; Invitae). This suggests that this is a clinically significant region of the protein, and that variants that disrupt it are likely to be disease-causing. ClinVar contains an entry for this variant (Variation ID: 202197). This premature translational stop signal has been observed in individual(s) with BRAT1-related conditions (PMID: 27480663). This sequence change creates a premature translational stop signal (p.Trp619*) in the BRAT1 gene. While this is not anticipated to result in nonsense mediated decay, it is expected to disrupt the last 203 amino acid(s) of the BRAT1 protein.

Mendelics
Classification: Pathogenic for Rigidity and multifocal seizure syndrome, lethal neonatal. Last evaluated: 2013-12-02. Review status: no assertion criteria provided. Collection method: clinical testing. Allele origin: germline. Affected: yes. Not counted in ClinVar's aggregate classification.

Literature cited by the submitters: PubMed 27480663 (cited by OLLIN Analises Genomicas, OLLIN and Labcorp Genetics (formerly Invitae), Labcorp); PubMed 22279524 (cited by Mendelics); PubMed 23035047 (cited by Mendelics).